The following is an entry in ClinVar:

NM_001009999.3(KDM1A):c.115G>C (p.Ala39Pro)

Gene: KDM1A (lysine demethylase 1A; plus strand). Cytogenetic location: 1p36.12.
Variant type: single nucleotide variant.
Coding change: c.115G>C on transcript NM_001009999.3 (MANE Select); coding-DNA position 115, G replaced by C.
Protein change: p.Ala39Pro; replaces alanine 39 with proline.
Molecular consequence: missense variant.
Genome position (GRCh38, 1-based): chr1:23,019,711, G>C. VCF-style: chr1-23019711-G-C. GRCh37 (hg19) VCF-style: chr1-23346204-G-C.
Other names: c.115G>C, p.Ala39Pro (NM_001363654.2, NM_001410762.1, NM_001410763.1 and 1 more transcripts); short protein forms A39P.
Identifiers: ClinVar variation 4858708 (VCV004858708.1).

ClinVar aggregate classification (germline): Uncertain significance (1 of 4 stars; one submission).

Conditions:
Inborn genetic diseases. Identifiers: MedGen C0950123, MeSH D030342.

gnomAD v4.1: 1 of 1,325,022 alleles (0.000075%); no homozygotes.

Submission:

Ambry Genetics
Classification: Uncertain significance for Inborn genetic diseases. Last evaluated: 2026-04-03. Review status: criteria provided, single submitter. Criteria: Ambry Variant Classification Scheme 2023. Collection method: clinical testing. Allele origin: germline.
Comment: The p.A39P variant (also known as c.115G>C), located in coding exon 1 of the KDM1A gene, results from a G to C substitution at nucleotide position 115. The alanine at codon 39 is replaced by proline, an amino acid with highly similar properties. This amino acid position is conserved. In addition, this alteration is predicted to be tolerated by in silico analysis. Based on the available evidence, the clinical significance of this variant remains unclear.